The following is an entry in ClinVar:

ClinVar aggregate classification (germline): Pathogenic (1 of 4 stars; one submission).

Conditions:
Fanconi anemia (FA). Also called: Fanconi's anemia. Identifiers: Orphanet 84, MedGen C0015625, MeSH D005199, MONDO:0019391.

Submission:

Labcorp Genetics (formerly Invitae), Labcorp
Classification: Pathogenic for Fanconi anemia. Last evaluated: 2022-10-20. Review status: criteria provided, single submitter. Criteria: Invitae Variant Classification Sherloc (09022015). Collection method: clinical testing. Allele origin: germline.
Comment: This variant is a gross deletion of the genomic region encompassing exon(s) 11-17 of the FANCA gene. This deletion is out-of-frame, and is expected to create a premature termination codon and result in an absent or disrupted protein product. Loss-of-function variants in FANCA are known to be pathogenic (PMID: 19367192). A similar copy number variant has been observed in individual(s) with Fanconi anemia (PMID: 11344308). For these reasons, this variant has been classified as Pathogenic.

Literature cited by the submitters: PubMed 19367192; PubMed 11344308.

NC_000016.10:g.(?_89782849)_(89796028_?)del

Gene: FANCA (FA complementation group A; minus strand). Cytogenetic location: 16q24.3.
Variant type: Deletion.
Identifiers: ClinVar variation 657390 (VCV000657390.6).